The following is an entry in ClinVar:

NM_014467.3(SRPX2):c.564C>T (p.His188=)

Gene: SRPX2 (sushi repeat containing protein X-linked 2; plus strand). Cytogenetic location: Xq22.1.
Variant type: single nucleotide variant.
Coding change: c.564C>T on transcript NM_014467.3 (MANE Select); coding-DNA position 564, C replaced by T.
Protein change: p.His188=; no amino-acid change (histidine 188 retained).
Molecular consequence: synonymous variant.
Genome position (GRCh38, 1-based): chrX:100,665,274, C>T. VCF-style: chrX-100665274-C-T. GRCh37 (hg19) VCF-style: chrX-99920271-C-T.
Identifiers: ClinVar variation 390846 (VCV000390846.14), dbSNP rs149317696, ClinGen allele CA10469531.

ClinVar aggregate classification (germline): Likely benign. Review status: criteria provided, multiple submitters, no conflicts (2 of 4 stars). 3 submissions from 3 submitters: Likely benign (2). 1 of the submissions does not count toward it. Last evaluated 2022-07-25.

Conditions:
SRPX2-related disorder. Also called: SRPX2-related condition.
Rolandic epilepsy, impaired intellectual development, and speech dyspraxia, X-linked. Also called: Rolandic epilepsy, impaired intellectual development, and speech dyspraxia; Rolandic epilepsy, intellectual disability, and speech dyspraxia, X-linked. Identifiers: MedGen C1845070, MONDO:0010388, OMIM 300643.

Allele frequency attached by ClinVar (database versions not stated): gnomAD exomes 0.00002 and 0.00006; ExAC 0.00008; 1000 Genomes Project 0.00026; 1000 Genomes Project 30x 0.00021; TOPMed 0.00023; gnomAD 0.00015; ESP Exome Variant Server 0.00028.
gnomAD v4.1: 36 of 1,209,015 alleles (0.003%); highest among the groups gnomAD compares: African/African-American, 0.061%; no homozygotes.

Submissions (3):

Labcorp Genetics (formerly Invitae), Labcorp
Classification: Likely benign for Rolandic epilepsy, impaired intellectual development, and speech dyspraxia, X-linked. Last evaluated: 2022-07-25. Review status: criteria provided, single submitter. Criteria: Invitae Variant Classification Sherloc (09022015). Collection method: clinical testing. Allele origin: germline.

GeneDx
Classification: Likely benign. Last evaluated: 2020-01-25. Review status: criteria provided, single submitter. Criteria: GeneDx Variant Classification Process June 2021. Collection method: clinical testing. Allele origin: germline. Affected: yes.

PreventionGenetics, part of Exact Sciences
Classification: Likely benign for SRPX2-related condition. Last evaluated: 2019-11-14. Review status: no assertion criteria provided. Collection method: clinical testing. Allele origin: germline. Not counted in ClinVar's aggregate classification.
Comment: This variant is classified as likely benign based on ACMG/AMP sequence variant interpretation guidelines (Richards et al. 2015 PMID: 25741868, with internal and published modifications).